The following is an entry in ClinVar:

NM_198253.3(TERT):c.1183G>A (p.Glu395Lys)

Gene: TERT (telomerase reverse transcriptase; minus strand). Cytogenetic location: 5p15.33.
Variant type: single nucleotide variant.
Coding change: c.1183G>A on transcript NM_198253.3 (MANE Select); coding-DNA position 1183, G replaced by A.
Protein change: p.Glu395Lys; replaces glutamic acid 395 with lysine.
Molecular consequence: missense variant. On other transcripts: non-coding transcript variant (2).
Genome position (GRCh38, 1-based): chr5:1,293,703, C>T on the plus strand (G>A on the coding strand, the complement: TERT is on the minus strand). VCF-style: chr5-1293703-C-T. GRCh37 (hg19) VCF-style: chr5-1293818-C-T.
Other names: c.1183G>A, p.Glu395Lys (NM_001193376.3); short protein forms E395K.
Identifiers: ClinVar variation 3967367 (VCV003967367.1).
Genomic context (GRCh38, chr5:1,293,703, plus strand): 5'-GCGGGCAGTGCGTCTTGAGGAGCACCCCGTAGGGGCACTGCGCGTGGTTCCCAAGCAGCT[C>T]CAGAAACAGGGGCCGCATTTGCCAGTAGCGCTGGGGCAGGCGGGGCAACCTGCGGGGAGT-3'
Protein context (NP_937983.2, residues 385-405): RYWQMRPLFL[Glu395Lys]LLGNHAQCPY

ClinVar aggregate classification (germline): Uncertain significance (1 of 4 stars; one submission).

Conditions:
Dyskeratosis congenita. Identifiers: Orphanet 1775, MedGen C0265965, MONDO:0015780.

gnomAD v4.1: 1 of 1,574,834 alleles (0.000063%); no homozygotes.

Submission:

Ambry Genetics
Classification: Uncertain significance for Dyskeratosis congenita. Last evaluated: 2025-05-17. Review status: criteria provided, single submitter. Criteria: Ambry Variant Classification Scheme 2023. Collection method: clinical testing. Allele origin: germline.
Comment: The p.E395K variant (also known as c.1183G>A), located in coding exon 2 of the TERT gene, results from a G to A substitution at nucleotide position 1183. The glutamic acid at codon 395 is replaced by lysine, an amino acid with similar properties. This amino acid position is conserved. In addition, this alteration is predicted to be tolerated by in silico analysis. Based on the available evidence, the clinical significance of this variant remains unclear.